The following is an entry in ClinVar:

ClinVar aggregate classification (germline): Uncertain significance (1 of 4 stars; one submission).

Conditions:
Cardiovascular phenotype. Identifiers: MedGen CN230736.

Allele frequency attached by ClinVar (database versions not stated): ExAC 0.00001; gnomAD exomes 0.00001; TOPMed 0.00001.
gnomAD v4.1: 4 of 1,613,676 alleles (0.00025%); highest among the groups gnomAD compares: Admixed American, 0.0067%; no homozygotes.

Submission:

Ambry Genetics
Classification: Uncertain significance for Cardiovascular phenotype. Last evaluated: 2022-07-19. Review status: criteria provided, single submitter. Criteria: Ambry Variant Classification Scheme 2023. Collection method: clinical testing. Allele origin: germline.
Comment: The p.V2175A variant (also known as c.6524T>C), located in coding exon 17 of the TNXB gene, results from a T to C substitution at nucleotide position 6524. The valine at codon 2175 is replaced by alanine, an amino acid with similar properties. This amino acid position is conserved. In addition, this alteration is predicted to be tolerated by in silico analysis. Since supporting evidence is limited at this time, the clinical significance of this alteration remains unclear.

NM_001365276.2(TNXB):c.6524T>C (p.Val2175Ala)

Gene: TNXB (tenascin XB; minus strand). Cytogenetic location: 6p21.33.
Variant type: single nucleotide variant.
Coding change: c.6524T>C on transcript NM_001365276.2 (MANE Select); coding-DNA position 6524, T replaced by C.
Protein change: p.Val2175Ala; replaces valine 2175 with alanine.
Molecular consequence: missense variant.
Genome position (GRCh38, 1-based): chr6:32,067,681, A>G on the plus strand (T>C on the coding strand, the complement: TNXB is on the minus strand). VCF-style: chr6-32067681-A-G. GRCh37 (hg19) VCF-style: chr6-32035458-A-G.
Other names: c.6524T>C, p.Val2175Ala (NM_019105.8); short protein forms V2175A.
Identifiers: ClinVar variation 1754044 (VCV001754044.2), dbSNP rs1422813232, ClinGen allele CA3734402.